The following is an entry in ClinVar:

NM_002354.3(EPCAM):c.389A>G (p.Asp130Gly)

Gene: EPCAM (epithelial cell adhesion molecule; plus strand). Cytogenetic location: 2p21.
Variant type: single nucleotide variant.
Coding change: c.389A>G on transcript NM_002354.3 (MANE Select); coding-DNA position 389, A replaced by G.
Protein change: p.Asp130Gly; replaces aspartic acid 130 with glycine.
Molecular consequence: missense variant.
Genome position (GRCh38, 1-based): chr2:47,374,012, A>G. VCF-style: chr2-47374012-A-G. GRCh37 (hg19) VCF-style: chr2-47601151-A-G.
Other names: short protein forms D130G.
Identifiers: ClinVar variation 1735972 (VCV001735972.3), dbSNP rs1671356578, ClinGen allele CA346723442.
Genomic context (GRCh38, chr2:47,374,012, plus strand): 5'-GCAACGGCACCTCCATGTGCTGGTGTGTGAACACTGCTGGGGTCAGAAGAACAGACAAGG[A>G]CACTGAAATAACCTGCTCTGAGCGAGTGAGAACCTAGTGAGTGGGGCTGCCTATACTACT-3'
Protein context (NP_002345.2, residues 120-140): NTAGVRRTDK[Asp130Gly]TEITCSERVR

ClinVar aggregate classification (germline): Uncertain significance (1 of 4 stars; one submission).

Conditions:
Hereditary cancer-predisposing syndrome. Also called: Neoplastic Syndromes, Hereditary; Tumor predisposition; Hereditary Cancer Syndrome; Hereditary neoplastic syndrome. Identifiers: Orphanet 140162, MedGen C0027672, MeSH D009386, MONDO:0015356.

Allele frequency attached by ClinVar (database versions not stated): gnomAD exomes below 0.00001; gnomAD 0.00001; TOPMed 0.00001.
gnomAD v4.1: 3 of 1,614,100 alleles (0.00019%); highest among the groups gnomAD compares: Non-Finnish European, 0.00025%; no homozygotes.

Submission:

Ambry Genetics
Classification: Uncertain significance for Hereditary cancer-predisposing syndrome. Last evaluated: 2024-07-25. Review status: criteria provided, single submitter. Criteria: Ambry Variant Classification Scheme 2023. Collection method: clinical testing. Allele origin: germline.
Comment: The p.D130G variant (also known as c.389A>G), located in coding exon 3 of the EPCAM gene, results from an A to G substitution at nucleotide position 389. The aspartic acid at codon 130 is replaced by glycine, an amino acid with similar properties. This amino acid position is conserved. In addition, this alteration is predicted to be tolerated by in silico analysis. Since supporting evidence is limited at this time, the clinical significance of this alteration remains unclear.